The following is an entry in ClinVar:

NM_033130.5(SIGLEC10):c.941A>G (p.Lys314Arg)

Genes: SIGLEC10 (sialic acid binding Ig like lectin 10; minus strand), SIGLEC10-AS1 (SIGLEC10 antisense RNA 1; plus strand). Cytogenetic location: 19q13.41.
Variant type: single nucleotide variant.
Coding change: c.941A>G on transcript NM_033130.5 (MANE Select); coding-DNA position 941, A replaced by G.
Protein change: p.Lys314Arg; replaces lysine 314 with arginine.
Molecular consequence: missense variant. On other transcripts: non-coding transcript variant (2), intron variant (2).
Genome position (GRCh38, 1-based): chr19:51,415,981, T>C on the plus strand (A>G on the coding strand, the complement: SIGLEC10 is on the minus strand). VCF-style: chr19-51415981-T-C. GRCh37 (hg19) VCF-style: chr19-51919235-T-C.
Other names: NC_000019.9:g.51919235T>C; c.767A>G, p.Lys256Arg (NM_001171156.2, NM_001171159.2); c.941A>G, p.Lys314Arg (NM_001171157.2); c.797A>G, p.Lys266Arg (NM_001171158.2); c.580+329A>G (NM_001171161.2); c.754+329A>G (NM_001322105.2); short protein forms K256R, K266R, K314R.
Identifiers: ClinVar variation 2650375 (VCV002650375.25), dbSNP rs201089294, ClinGen allele CA9612109.

ClinVar aggregate classification (germline): Likely benign (1 of 4 stars; one submission).

Allele frequency attached by ClinVar (database versions not stated): 1000 Genomes Project 0.00379; 1000 Genomes Project 30x 0.00468; gnomAD exomes 0.00722; ExAC 0.00792; gnomAD 0.00854.
gnomAD v4.1: 11,787 of 1,599,404 alleles (0.74%); highest among the groups gnomAD compares: Middle Eastern, 0.97%; 112 homozygotes.

Submissions (13):

CeGaT Center for Human Genetics Tuebingen
Classification: Likely benign. Last evaluated: 2026-06-01. Review status: criteria provided, single submitter. Criteria: CeGaT Center For Human Genetics Tuebingen Variant Classification Criteria Version 2. Collection method: clinical testing. Allele origin: germline. Affected: yes. Observed: 5 variant alleles.
Comment: SIGLEC10: BP4, BS2

Dr. Peter K. Rogan Lab, Western University
No classification provided (evidence only). Condition: Colorectal cancer. Review status: no classification provided. Collection method: in vitro. Allele origin: not applicable. Functional consequence: skipped exon. Not counted in ClinVar's aggregate classification.

Dr. Peter K. Rogan Lab, Western University
No classification provided (evidence only). Condition: Colorectal cancer. Review status: no classification provided. Collection method: in vitro. Allele origin: not applicable. Functional consequence: skipped exon, retained intron. Not counted in ClinVar's aggregate classification.

Dr. Peter K. Rogan Lab, Western University
No classification provided (evidence only). Condition: Thyroid cancer, nonmedullary, 1. Review status: no classification provided. Collection method: in vitro. Allele origin: not applicable. Functional consequence: skipped exon. Not counted in ClinVar's aggregate classification.

Dr. Peter K. Rogan Lab, Western University
No classification provided (evidence only). Condition: Thyroid cancer, nonmedullary, 1. Review status: no classification provided. Collection method: in vitro. Allele origin: not applicable. Functional consequence: skipped exon, retained intron. Not counted in ClinVar's aggregate classification.

Dr. Peter K. Rogan Lab, Western University
No classification provided (evidence only). Condition: Thyroid cancer, nonmedullary, 1. Review status: no classification provided. Collection method: in vitro. Allele origin: not applicable. Functional consequence: retained intron. Not counted in ClinVar's aggregate classification.

Dr. Peter K. Rogan Lab, Western University
No classification provided (evidence only). Condition: Nonpapillary renal cell carcinoma. Review status: no classification provided. Collection method: in vitro. Allele origin: not applicable. Functional consequence: skipped exon, retained intron. Not counted in ClinVar's aggregate classification.

Dr. Peter K. Rogan Lab, Western University
No classification provided (evidence only). Condition: Nonpapillary renal cell carcinoma. Review status: no classification provided. Collection method: in vitro. Allele origin: not applicable. Functional consequence: skipped exon. Not counted in ClinVar's aggregate classification.

Dr. Peter K. Rogan Lab, Western University
No classification provided (evidence only). Condition: Cholangiocarcinoma. Review status: no classification provided. Collection method: in vitro. Allele origin: not applicable. Functional consequence: retained intron. Not counted in ClinVar's aggregate classification.

Dr. Peter K. Rogan Lab, Western University
No classification provided (evidence only). Condition: Malignant tumor of esophagus. Review status: no classification provided. Collection method: in vitro. Allele origin: not applicable. Functional consequence: skipped exon, retained intron. Not counted in ClinVar's aggregate classification.

Dr. Peter K. Rogan Lab, Western University
No classification provided (evidence only). Condition: Malignant tumor of esophagus. Review status: no classification provided. Collection method: in vitro. Allele origin: not applicable. Functional consequence: retained intron. Not counted in ClinVar's aggregate classification.

Dr. Peter K. Rogan Lab, Western University
No classification provided (evidence only). Condition: Malignant tumor of esophagus. Review status: no classification provided. Collection method: in vitro. Allele origin: not applicable. Functional consequence: skipped exon. Not counted in ClinVar's aggregate classification.

Dr. Peter K. Rogan Lab, Western University
No classification provided (evidence only). Condition: Malignant tumor of esophagus. Review status: no classification provided. Collection method: in vitro. Allele origin: not applicable. Functional consequence: retained intron. Not counted in ClinVar's aggregate classification.